The following is an entry in ClinVar:

NM_001130009.3(GEN1):c.1619C>T (p.Ala540Val)

Gene: GEN1 (GEN1 structure-specific endonuclease; plus strand). Cytogenetic location: 2p24.2.
Variant type: single nucleotide variant.
Coding change: c.1619C>T on transcript NM_001130009.3 (MANE Select); coding-DNA position 1619, C replaced by T.
Protein change: p.Ala540Val; replaces alanine 540 with valine.
Molecular consequence: missense variant.
Genome position (GRCh38, 1-based): chr2:17,780,831, C>T. VCF-style: chr2-17780831-C-T. GRCh37 (hg19) VCF-style: chr2-17962098-C-T.
Other names: c.1619C>T, p.Ala540Val (NM_182625.5); c.1619C>T (NM_001130009.1); short protein forms A540V.
Identifiers: ClinVar variation 2715732 (VCV002715732.4), dbSNP rs2545627174, ClinGen allele CA345926259.

ClinVar aggregate classification (germline): Conflicting classifications of pathogenicity. Review status: criteria provided, conflicting classifications (1 of 4 stars). 2 submissions from 2 submitters: Uncertain significance (1); Likely benign (1). Last evaluated 2025-01-08.

Allele frequency attached by ClinVar (database versions not stated): gnomAD exomes below 0.00001.
gnomAD v4.1: 1 of 1,613,860 alleles (0.000062%); highest among the groups gnomAD compares: Non-Finnish European, 0.000085%; no homozygotes.

Submissions (2):

Ambry Genetics
Classification: Likely benign. Last evaluated: 2025-01-08. Review status: criteria provided, single submitter. Criteria: Ambry Variant Classification Scheme 2023. Collection method: clinical testing. Allele origin: germline.

Labcorp Genetics (formerly Invitae), Labcorp
Classification: Uncertain significance. Last evaluated: 2023-09-25. Review status: criteria provided, single submitter. Criteria: Invitae Variant Classification Sherloc (09022015). Collection method: clinical testing. Allele origin: germline.
Comment: This sequence change replaces alanine, which is neutral and non-polar, with valine, which is neutral and non-polar, at codon 540 of the GEN1 protein (p.Ala540Val). This variant is not present in population databases (gnomAD no frequency). This variant has not been reported in the literature in individuals affected with GEN1-related conditions. Algorithms developed to predict the effect of missense changes on protein structure and function output the following: SIFT: "Not Available"; PolyPhen-2: "Benign"; Align-GVGD: "Not Available". The valine amino acid residue is found in multiple mammalian species, which suggests that this missense change does not adversely affect protein function. In summary, the available evidence is currently insufficient to determine the role of this variant in disease. Therefore, it has been classified as a Variant of Uncertain Significance.